The following is an entry in ClinVar:

ClinVar aggregate classification (germline): Benign (1 of 4 stars; one submission).

Allele frequency attached by ClinVar (database versions not stated): gnomAD 0.21545 and 0.21756; TOPMed 0.21635; 1000 Genomes Project 0.22145; 1000 Genomes Project 30x 0.22939.
gnomAD v4.1: 32,653 of 152,024 alleles (21%); highest among the groups gnomAD compares: African/African-American, 33%; 3,991 homozygotes.

Submission:

GeneDx
Classification: Benign. Last evaluated: 2018-06-19. Review status: criteria provided, single submitter. Criteria: GeneDx Variant Classification (06012015). Collection method: clinical testing. Allele origin: germline. Affected: yes.
Comment: This variant is considered likely benign or benign based on one or more of the following criteria: it is a conservative change, it occurs at a poorly conserved position in the protein, it is predicted to be benign by multiple in silico algorithms, and/or has population frequency not consistent with disease.

NM_014795.4(ZEB2):c.3068-163G>A

Gene: ZEB2 (zinc finger E-box binding homeobox 2; minus strand). Cytogenetic location: 2q22.3.
Variant type: single nucleotide variant.
Coding change: c.3068-163G>A on transcript NM_014795.4 (MANE Select); 163 bases into the intron before coding-DNA position 3068, G replaced by A.
Molecular consequence: intron variant.
Genome position (GRCh38, 1-based): chr2:144,390,191, C>T on the plus strand (G>A on the coding strand, the complement: ZEB2 is on the minus strand). VCF-style: chr2-144390191-C-T. GRCh37 (hg19) VCF-style: chr2-145147758-C-T.
Other names: c.2996-163G>A (NM_001171653.2).
Identifiers: ClinVar variation 672370 (VCV000672370.1), dbSNP rs16855324, ClinGen allele CA11199408.